The following is an entry in ClinVar:

NM_005188.4(CBL):c.60G>T (p.Ser20=)

Genes: CBL (Cbl proto-oncogene; plus strand), LOC130006895 (ATAC-STARR-seq lymphoblastoid silent region 3975; plus strand). Cytogenetic location: 11q23.3.
Variant type: single nucleotide variant.
Coding change: c.60G>T on transcript NM_005188.4 (MANE Select); coding-DNA position 60, G replaced by T.
Protein change: p.Ser20=; no amino-acid change (serine 20 retained).
Molecular consequence: synonymous variant.
Genome position (GRCh38, 1-based): chr11:119,206,477, G>T. VCF-style: chr11-119206477-G-T. GRCh37 (hg19) VCF-style: chr11-119077187-G-T.
Identifiers: ClinVar variation 513893 (VCV000513893.13), dbSNP rs758583427, ClinGen allele CA6318221.
Genomic context (GRCh38, chr11:119,206,477, plus strand): 5'-CATGGCCGGCAACGTGAAGAAGAGCTCTGGGGCCGGGGGCGGCAGCGGCTCCGGGGGCTC[G>T]GGTTCGGGTGGCCTGATTGGGCTCATGAAGGACGCCTTCCAGCCGCACCACCACCACCAC-3'
Protein context (NP_005179.2, residues 10-30): GAGGGSGSGG[Ser20=]GSGGLIGLMK

ClinVar aggregate classification (germline): Likely benign. Review status: criteria provided, multiple submitters, no conflicts (2 of 4 stars). 3 submissions from 3 submitters: Likely benign (3). Last evaluated 2025-12-17.

Conditions:
Cardiovascular phenotype. Identifiers: MedGen CN230736.
RASopathy. Also called: Noonan spectrum disorder; rasopathies. Identifiers: Orphanet 536391, MedGen C5555857, MONDO:0021060.

Allele frequency attached by ClinVar (database versions not stated): gnomAD exomes 0.00001 and 0.00003; TOPMed 0.00002; gnomAD 0.00006 and 0.00007; ExAC 0.00007.
gnomAD v4.1: 19 of 1,575,358 alleles (0.0012%); highest among the groups gnomAD compares: African/African-American, 0.022%; no homozygotes.

Submissions (3):

Labcorp Genetics (formerly Invitae), Labcorp
Classification: Likely benign for RASopathy. Last evaluated: 2025-12-17. Review status: criteria provided, single submitter. Criteria: Invitae Variant Classification Sherloc (09022015). Collection method: clinical testing. Allele origin: germline.

Ambry Genetics
Classification: Likely benign for Cardiovascular phenotype. Last evaluated: 2020-08-30. Review status: criteria provided, single submitter. Criteria: Ambry Variant Classification Scheme 2023. Collection method: clinical testing. Allele origin: germline.

GeneDx
Classification: Likely benign. Last evaluated: 2017-12-05. Review status: criteria provided, single submitter. Criteria: GeneDx Variant Classification (06012015). Collection method: clinical testing. Allele origin: germline. Affected: yes.
Comment: This variant is considered likely benign or benign based on one or more of the following criteria: it is a conservative change, it occurs at a poorly conserved position in the protein, it is predicted to be benign by multiple in silico algorithms, and/or has population frequency not consistent with disease.